The following is an entry in ClinVar:

ClinVar aggregate classification (germline): Uncertain significance (1 of 4 stars; one submission).

Allele frequency attached by ClinVar (database versions not stated): gnomAD exomes below 0.00001; ExAC 0.00001; gnomAD 0.00001.
gnomAD v4.1: 2 of 1,614,086 alleles (0.00012%); highest among the groups gnomAD compares: Non-Finnish European, 0.000085%; no homozygotes.

Submission:

Labcorp Genetics (formerly Invitae), Labcorp
Classification: Uncertain significance. Last evaluated: 2021-10-11. Review status: criteria provided, single submitter. Criteria: Invitae Variant Classification Sherloc (09022015). Collection method: clinical testing. Allele origin: germline.
Comment: Algorithms developed to predict the effect of missense changes on protein structure and function are either unavailable or do not agree on the potential impact of this missense change (SIFT: "Tolerated"; PolyPhen-2: "Possibly Damaging"; Align-GVGD: "Class C0"). This sequence change replaces serine, a(n) neutral and polar amino acid, with phenylalanine, a(n) neutral and non-polar amino acid, at codon 355 of the HPS4 protein (p.Ser355Phe). This variant is present in population databases (rs775195314, gnomAD 0.007%). This variant has not been reported in the literature in individuals affected with HPS4-related conditions. In summary, the available evidence is currently insufficient to determine the role of this variant in disease. Therefore, it has been classified as a Variant of Uncertain Significance.

NM_022081.6(HPS4):c.1064C>T (p.Ser355Phe)

Gene: HPS4 (HPS4 biogenesis of lysosomal organelles complex 3 subunit 2; minus strand). Cytogenetic location: 22q12.1.
Variant type: single nucleotide variant.
Coding change: c.1064C>T on transcript NM_022081.6 (MANE Select); coding-DNA position 1064, C replaced by T.
Protein change: p.Ser355Phe; replaces serine 355 with phenylalanine.
Molecular consequence: missense variant. On other transcripts: non-coding transcript variant (8).
Genome position (GRCh38, 1-based): chr22:26,464,566, G>A on the plus strand (C>T on the coding strand, the complement: HPS4 is on the minus strand). VCF-style: chr22-26464566-G-A. GRCh37 (hg19) VCF-style: chr22-26860532-G-A.
Other names: c.1064C>T, p.Ser355Phe (NM_001349896.1, NM_001349898.2, NM_001349899.2 and 4 more transcripts); c.1118C>T, p.Ser373Phe (NM_001349900.2, NM_001349901.1); c.1049C>T, p.Ser350Phe (NM_152841.2); short protein forms S373F, S350F, S355F.
Identifiers: ClinVar variation 1450082 (VCV001450082.6), dbSNP rs775195314, ClinGen allele CA10163412.